The following is an entry in ClinVar:

NM_001111.5(ADAR):c.3380A>G (p.Asn1127Ser)

Gene: ADAR (adenosine deaminase RNA specific; minus strand). Cytogenetic location: 1q21.3.
Variant type: single nucleotide variant.
Coding change: c.3380A>G on transcript NM_001111.5 (MANE Select); coding-DNA position 3380, A replaced by G.
Protein change: p.Asn1127Ser; replaces asparagine 1127 with serine.
Molecular consequence: missense variant.
Genome position (GRCh38, 1-based): chr1:154,585,280, T>C on the plus strand (A>G on the coding strand, the complement: ADAR is on the minus strand). VCF-style: chr1-154585280-T-C. GRCh37 (hg19) VCF-style: chr1-154557756-T-C.
Other names: c.2495A>G, p.Asn832Ser (NM_001025107.3, NM_001193495.2, NM_001365046.1 and 2 more transcripts); c.3407A>G, p.Asn1136Ser (NM_001365045.1); c.2417A>G, p.Asn806Ser (NM_001365049.1); c.3302A>G, p.Asn1101Ser (NM_015840.4); c.3245A>G, p.Asn1082Ser (NM_015841.4); short protein forms N1127S, N1136S, N806S, N832S, N1082S, N1101S.
Identifiers: ClinVar variation 2941602 (VCV002941602.3), dbSNP rs1256319321, ClinGen allele CA342635092.

ClinVar aggregate classification (germline): Uncertain significance (1 of 4 stars; one submission).

Conditions:
Symmetrical dyschromatosis of extremities (DSH). Also called: RETICULATE ACROPIGMENTATION OF DOHI; SYMMETRIC DYSCHROMATOSIS OF THE EXTREMITIES; DYSCHROMATOSIS SYMMETRICA HEREDITARIA 1; Dyschromatosis symmetrica hereditaria. Identifiers: Orphanet 41, MedGen C0406775, MONDO:0007483, OMIM 127400.
Aicardi-Goutieres syndrome 6 (AGS6). Identifiers: Orphanet 51, MedGen C3539013, MONDO:0014007, OMIM 615010.

Allele frequency attached by ClinVar (database versions not stated): gnomAD exomes below 0.00001; TOPMed below 0.00001; gnomAD 0.00001.
gnomAD v4.1: 2 of 1,614,074 alleles (0.00012%); highest among the groups gnomAD compares: African/African-American, 0.0013%; no homozygotes.

Submission:

Labcorp Genetics (formerly Invitae), Labcorp
Classification: Uncertain significance for Aicardi-Goutieres syndrome 6; Symmetrical dyschromatosis of extremities. Last evaluated: 2025-11-10. Review status: criteria provided, single submitter. Criteria: Invitae Variant Classification Sherloc (09022015). Collection method: clinical testing. Allele origin: germline.
Comment: This sequence change replaces asparagine, which is neutral and polar, with serine, which is neutral and polar, at codon 1127 of the ADAR protein (p.Asn1127Ser). This variant is not present in population databases (gnomAD no frequency). This missense change has been observed in individual(s) with clinical features of Aicardi-Goutieres syndrome (PMID: 34988976). ClinVar contains an entry for this variant (Variation ID: 2941602). Invitae Evidence Modeling of protein sequence and biophysical properties (such as structural, functional, and spatial information, amino acid conservation, physicochemical variation, residue mobility, and thermodynamic stability) indicates that this missense variant is not expected to disrupt ADAR protein function with a negative predictive value of 80%. In summary, the available evidence is currently insufficient to determine the role of this variant in disease. Therefore, it has been classified as a Variant of Uncertain Significance.

Literature cited by the submitters: PubMed 34988976.